The following is an entry in ClinVar:

NM_007215.4(POLG2):c.278G>T (p.Ser93Ile)

Genes: MILR1 (mast cell immunoglobulin like receptor 1; plus strand), POLG2 (DNA polymerase gamma 2, accessory subunit; minus strand). Cytogenetic location: 17q23.3.
Variant type: single nucleotide variant.
Coding change: c.278G>T on transcript NM_007215.4 (MANE Select); coding-DNA position 278, G replaced by T.
Protein change: p.Ser93Ile; replaces serine 93 with isoleucine.
Molecular consequence: missense variant.
Genome position (GRCh38, 1-based): chr17:64,496,691, C>A on the plus strand (G>T on the coding strand, the complement: POLG2 is on the minus strand). VCF-style: chr17-64496691-C-A. GRCh37 (hg19) VCF-style: chr17-62492809-C-A.
Other names: short protein forms S93I.
Identifiers: ClinVar variation 3680712 (VCV003680712.2).

ClinVar aggregate classification (germline): Uncertain significance (1 of 4 stars; one submission).

gnomAD v4.1: 5 of 1,614,088 alleles (0.00031%); highest among the groups gnomAD compares: Admixed American, 0.0017%; no homozygotes.

Submission:

Labcorp Genetics (formerly Invitae), Labcorp
Classification: Uncertain significance. Last evaluated: 2024-05-29. Review status: criteria provided, single submitter. Criteria: Invitae Variant Classification Sherloc (09022015). Collection method: clinical testing. Allele origin: germline.
Comment: This sequence change replaces serine, which is neutral and polar, with isoleucine, which is neutral and non-polar, at codon 93 of the POLG2 protein (p.Ser93Ile). This variant is present in population databases (no rsID available, gnomAD 0.003%). This variant has not been reported in the literature in individuals affected with POLG2-related conditions. An algorithm developed to predict the effect of missense changes on protein structure and function (PolyPhen-2) suggests that this variant is likely to be disruptive. In summary, the available evidence is currently insufficient to determine the role of this variant in disease. Therefore, it has been classified as a Variant of Uncertain Significance.